The following is an entry in ClinVar:

ClinVar aggregate classification (germline): Uncertain significance. Review status: criteria provided, multiple submitters, no conflicts (2 of 4 stars). 2 submissions from 2 submitters: Uncertain significance (2). Last evaluated 2026-02-19.

Conditions:
Hereditary cancer-predisposing syndrome. Also called: Neoplastic Syndromes, Hereditary; Hereditary neoplastic syndrome; Tumor predisposition; Hereditary Cancer Syndrome. Identifiers: Orphanet 140162, MedGen C0027672, MeSH D009386, MONDO:0015356.
Gorlin syndrome. Also called: Basal cell nevus syndrome; Nevoid Basal Cell Carcinoma Syndrome. Identifiers: Orphanet 377, MedGen C0004779, MONDO:0007187.

gnomAD v4.1: 2 of 1,614,194 alleles (0.00012%); highest among the groups gnomAD compares: Non-Finnish European, 0.00017%; no homozygotes.

Submissions (2):

Ambry Genetics
Classification: Uncertain significance for Hereditary cancer-predisposing syndrome. Last evaluated: 2026-02-19. Review status: criteria provided, single submitter. Criteria: Ambry Variant Classification Scheme 2023. Collection method: clinical testing. Allele origin: germline.
Comment: The p.S444R variant (also known as c.1332C>A), located in coding exon 9 of the PTCH1 gene, results from a C to A substitution at nucleotide position 1332. The serine at codon 444 is replaced by arginine, an amino acid with dissimilar properties. This amino acid position is well conserved in available vertebrate species. In addition, this alteration is predicted to be deleterious by in silico analysis. Based on the available evidence, the clinical significance of this variant remains unclear.

Labcorp Genetics (formerly Invitae), Labcorp
Classification: Uncertain significance for Gorlin syndrome. Last evaluated: 2019-04-07. Review status: criteria provided, single submitter. Criteria: Invitae Variant Classification Sherloc (09022015). Collection method: clinical testing. Allele origin: germline.
Comment: This sequence change replaces serine with arginine at codon 444 of the PTCH1 protein (p.Ser444Arg). The serine residue is moderately conserved and there is a moderate physicochemical difference between serine and arginine. This variant is present in population databases (rs373930674, ExAC 0.003%). This variant has not been reported in the literature in individuals with PTCH1-related conditions. Algorithms developed to predict the effect of missense changes on protein structure and function are either unavailable or do not agree on the potential impact of this missense change (SIFT: "Tolerated"; PolyPhen-2: "Possibly Damaging"; Align-GVGD: "Class C0"). In summary, the available evidence is currently insufficient to determine the role of this variant in disease. Therefore, it has been classified as a Variant of Uncertain Significance.

NM_000264.5(PTCH1):c.1332C>A (p.Ser444Arg)

Gene: PTCH1 (patched 1; minus strand). Cytogenetic location: 9q22.32.
Variant type: single nucleotide variant.
Coding change: c.1332C>A on transcript NM_000264.5 (MANE Select); coding-DNA position 1332, C replaced by A.
Protein change: p.Ser444Arg; replaces serine 444 with arginine.
Molecular consequence: missense variant. On other transcripts: non-coding transcript variant (1).
Genome position (GRCh38, 1-based): chr9:95,478,070, G>T on the plus strand (C>A on the coding strand, the complement: PTCH1 is on the minus strand). VCF-style: chr9-95478070-G-T. GRCh37 (hg19) VCF-style: chr9-98240352-G-T.
Other names: c.1134C>A, p.Ser378Arg (NM_001083602.3); c.1329C>A, p.Ser443Arg (NM_001083603.3); c.879C>A, p.Ser293Arg (NM_001083604.3, NM_001083605.3, NM_001083606.3 and 1 more transcripts); c.1332C>A, p.Ser444Arg (NM_001354918.2); c.1332C>A (NM_000264.3); short protein forms S378R, S293R, S443R, S444R.
Identifiers: ClinVar variation 640624 (VCV000640624.12), dbSNP rs373930674, ClinGen allele CA5138700.
Genomic context (GRCh38, chr9:95,478,070, plus strand): 5'-ACCAAACCAAACTCCAGCCCCCAGGAGCATGGCATCGAGCGTTACCATGAGTAAGTAGCC[G>T]CTGGCCACGCGGATGACACTGACGTCAGAGAAGGATTTCAGGATGTCGTCCAGGGTCGTG-3'
Protein context (NP_000255.2, residues 434-454): FSDVSVIRVA[Ser444Arg]GYLLMLAYAC